The following is an entry in ClinVar:

NM_002890.3(RASA1):c.89A>G (p.Tyr30Cys)

Gene: RASA1 (RAS p21 protein activator 1; plus strand). Cytogenetic location: 5q14.3.
Variant type: single nucleotide variant.
Coding change: c.89A>G on transcript NM_002890.3 (MANE Select); coding-DNA position 89, A replaced by G.
Protein change: p.Tyr30Cys; replaces tyrosine 30 with cysteine.
Molecular consequence: missense variant.
Genome position (GRCh38, 1-based): chr5:87,268,540, A>G. VCF-style: chr5-87268540-A-G. GRCh37 (hg19) VCF-style: chr5-86564357-A-G.
Other names: c.89A>G (NM_002890.2); short protein forms Y30C.
Identifiers: ClinVar variation 1446960 (VCV001446960.7), dbSNP rs376663338, ClinGen allele CA3335322.

ClinVar aggregate classification (germline): Uncertain significance. Review status: criteria provided, multiple submitters, no conflicts (2 of 4 stars). 2 submissions from 2 submitters: Uncertain significance (2). Last evaluated 2026-01-07.

Conditions:
Capillary malformation-arteriovenous malformation syndrome. Also called: Capillary malformation-arteriovenous malformation. Identifiers: Orphanet 137667, MedGen C1842180, MONDO:0012016.

Allele frequency attached by ClinVar (database versions not stated): gnomAD exomes below 0.00001 and 0.00001; gnomAD 0.00003 and 0.00004; TOPMed 0.00003; ExAC 0.00005; ESP Exome Variant Server 0.00008.
gnomAD v4.1: 11 of 1,598,670 alleles (0.00069%); highest among the groups gnomAD compares: African/African-American, 0.013%; no homozygotes.

Submissions (2):

Labcorp Genetics (formerly Invitae), Labcorp
Classification: Uncertain significance for Capillary malformation-arteriovenous malformation syndrome. Last evaluated: 2026-01-07. Review status: criteria provided, single submitter. Criteria: Invitae Variant Classification Sherloc (09022015). Collection method: clinical testing. Allele origin: germline.
Comment: This sequence change replaces tyrosine, which is neutral and polar, with cysteine, which is neutral and slightly polar, at codon 30 of the RASA1 protein (p.Tyr30Cys). This variant is present in population databases (rs376663338, gnomAD 0.02%). This variant has not been reported in the literature in individuals affected with RASA1-related conditions. ClinVar contains an entry for this variant (Variation ID: 1446960). An algorithm developed to predict the effect of missense changes on protein structure and function outputs the following: PolyPhen-2: "Possibly Damaging". The cysteine amino acid residue is found in multiple mammalian species, which suggests that this missense change does not adversely affect protein function. In summary, the available evidence is currently insufficient to determine the role of this variant in disease. Therefore, it has been classified as a Variant of Uncertain Significance.

GeneDx
Classification: Uncertain significance. Last evaluated: 2024-05-21. Review status: criteria provided, single submitter. Criteria: GeneDx Variant Classification Process June 2021. Collection method: clinical testing. Allele origin: germline. Affected: yes.
Comment: Not observed at significant frequency in large population cohorts (gnomAD); In silico analysis indicates that this missense variant does not alter protein structure/function; Has not been previously published as pathogenic or benign to our knowledge